The following is an entry in ClinVar:

NM_001379081.2(FREM1):c.4875A>C (p.Lys1625Asn)

Gene: FREM1 (FRAS1 related extracellular matrix 1; minus strand). Cytogenetic location: 9p22.3.
Variant type: single nucleotide variant.
Coding change: c.4875A>C on transcript NM_001379081.2 (MANE Select); coding-DNA position 4875, A replaced by C.
Protein change: p.Lys1625Asn; replaces lysine 1625 with asparagine.
Molecular consequence: missense variant. On other transcripts: non-coding transcript variant (2).
Genome position (GRCh38, 1-based): chr9:14,770,789, T>G on the plus strand (A>C on the coding strand, the complement: FREM1 is on the minus strand). VCF-style: chr9-14770789-T-G. GRCh37 (hg19) VCF-style: chr9-14770787-T-G.
Other names: c.483A>C, p.Lys161Asn (NM_001177704.3, NM_001370058.2, NM_001370061.2); c.4875A>C, p.Lys1625Asn (NM_144966.7); short protein forms K1625N, K161N.
Identifiers: ClinVar variation 366115 (VCV000366115.14), dbSNP rs117881664, ClinGen allele CA4989979.
Genomic context (GRCh38, chr9:14,770,789, plus strand): 5'-GCCATTTTTCAGGAGCCCCACTTGAGAAGGGGAATGCAAGAGTGTGATACGAGGAGCTGT[T>G]TTGTCCAATTGGTCTACCTGGATCATCAACAATGACATAAAATGTTGTCCAAAGGCCCCT-3'
Protein context (NP_001366010.1, residues 1615-1635): LFTIQVDQLD[Lys1625Asn]TAPRITLLHS

ClinVar aggregate classification (germline): Benign/Likely benign. Review status: criteria provided, multiple submitters, no conflicts (2 of 4 stars). 3 submissions from 3 submitters: Benign (2); Likely benign (1). Last evaluated 2025-11-01.

Conditions:
Oculotrichoanal syndrome (MOTA). Also called: MARLES SYNDROME; Manitoba Oculotrichoanal (MOTA) Syndrome. Identifiers: Orphanet 2717, MedGen C1855425, MONDO:0009560, OMIM 248450.

Allele frequency attached by ClinVar (database versions not stated): gnomAD 0.00033 and 0.00044; TOPMed 0.00078; gnomAD exomes 0.00094; ExAC 0.00102; 1000 Genomes Project 30x 0.00234; 1000 Genomes Project 0.00240.
gnomAD v4.1: 457 of 1,612,236 alleles (0.028%); highest among the groups gnomAD compares: East Asian, 0.9%; 3 homozygotes.

Submissions (3):

Labcorp Genetics (formerly Invitae), Labcorp
Classification: Benign. Last evaluated: 2025-11-01. Review status: criteria provided, single submitter. Criteria: Invitae Variant Classification Sherloc (09022015). Collection method: clinical testing. Allele origin: germline.

Blueprint Genetics
Classification: Likely benign. Last evaluated: 2024-09-23. Review status: criteria provided, single submitter. Criteria: ACMG Guidelines, 2015. Collection method: clinical testing. Allele origin: germline.

Illumina Laboratory Services, Illumina
Classification: Benign for Oculotrichoanal syndrome. Last evaluated: 2018-01-13. Review status: criteria provided, single submitter. Criteria: ICSL Variant Classification Criteria 13 December 2019. Collection method: clinical testing. Allele origin: germline.
Comment: This variant was observed in the ICSL laboratory as part of a predisposition screen in an ostensibly healthy population. It had not been previously curated by ICSL or reported in the Human Gene Mutation Database (HGMD: prior to June 1st, 2018), and was therefore a candidate for classification through an automated scoring system. Utilizing variant allele frequency, disease prevalence and penetrance estimates, and inheritance mode, an automated score was calculated to assess if this variant is too frequent to cause the disease. Based on the score and internal cut-off values, a variant classified as benign is not then subjected to further curation. The score for this variant resulted in a classification of benign for this disease.